The following is an entry in ClinVar:

ClinVar aggregate classification (germline): Uncertain significance. Review status: criteria provided, multiple submitters, no conflicts (2 of 4 stars). 2 submissions from 2 submitters: Uncertain significance (2). Last evaluated 2024-06-10.

Conditions:
Inborn genetic diseases. Identifiers: MedGen C0950123, MeSH D030342.

Allele frequency attached by ClinVar (database versions not stated): ExAC 0.00001; gnomAD 0.00001; gnomAD exomes 0.00001; TOPMed 0.00002; 1000 Genomes Project 30x 0.00016; 1000 Genomes Project 0.00020.
gnomAD v4.1: 14 of 1,613,928 alleles (0.00087%); highest among the groups gnomAD compares: Admixed American, 0.02%; no homozygotes.

Submissions (2):

Ambry Genetics
Classification: Uncertain significance for Inborn genetic diseases. Last evaluated: 2024-06-10. Review status: criteria provided, single submitter. Criteria: Ambry Variant Classification Scheme 2023. Collection method: clinical testing. Allele origin: germline.

Labcorp Genetics (formerly Invitae), Labcorp
Classification: Uncertain significance. Last evaluated: 2022-07-05. Review status: criteria provided, single submitter. Criteria: Invitae Variant Classification Sherloc (09022015). Collection method: clinical testing. Allele origin: germline.
Comment: This sequence change replaces methionine, which is neutral and non-polar, with lysine, which is basic and polar, at codon 642 of the CEP63 protein (p.Met642Lys). This variant is present in population databases (rs539497458, gnomAD 0.006%). This variant has not been reported in the literature in individuals affected with CEP63-related conditions. Algorithms developed to predict the effect of missense changes on protein structure and function (SIFT, PolyPhen-2, Align-GVGD) all suggest that this variant is likely to be tolerated. Algorithms developed to predict the effect of sequence changes on RNA splicing suggest that this variant may create or strengthen a splice site. In summary, the available evidence is currently insufficient to determine the role of this variant in disease. Therefore, it has been classified as a Variant of Uncertain Significance.

NM_001353108.3(CEP63):c.1925T>A (p.Met642Lys)

Gene: CEP63 (centrosomal protein 63; plus strand). Cytogenetic location: 3q22.2.
Variant type: single nucleotide variant.
Coding change: c.1925T>A on transcript NM_001353108.3 (MANE Select); coding-DNA position 1925, T replaced by A.
Protein change: p.Met642Lys; replaces methionine 642 with lysine.
Molecular consequence: missense variant. On other transcripts: non-coding transcript variant (1), intron variant (17).
Genome position (GRCh38, 1-based): chr3:134,559,401, T>A. VCF-style: chr3-134559401-T-A. GRCh37 (hg19) VCF-style: chr3-134278243-T-A.
Other names: c.1787T>A, p.Met596Lys (NM_001353109.1); c.1925T>A, p.Met642Lys (NM_025180.5); c.1467+7389T>A (NM_001353113.1, NM_001353117.2); c.1329+7389T>A (NM_001042384.2, NM_001353124.2, NM_001353123.2); c.1330-1976T>A (NM_001353122.1, NM_001042383.2, NM_001353121.2 and 2 more transcripts); c.1468-1976T>A (NM_001353110.1, NM_001353112.2, NM_001353111.2 and 1 more transcripts); c.1357-1976T>A (NM_001353118.1); c.967-1976T>A (NM_001353126.2); and 2 more; short protein forms M642K, M596K.
Identifiers: ClinVar variation 2082941 (VCV002082941.2), dbSNP rs539497458, ClinGen allele CA2628816.